The following is an entry in ClinVar:

ClinVar aggregate classification (germline): Conflicting classifications of pathogenicity. Review status: criteria provided, conflicting classifications (1 of 4 stars). 4 submissions from 4 submitters: Uncertain significance (3); Likely benign (1). Last evaluated 2026-01-25.

Conditions:
Generalized epilepsy-paroxysmal dyskinesia syndrome (PNKD3). Also called: Paroxysmal nonkinesigenic dyskinesia, 3, with or without generalized epilepsy; Generalized epilepsy and paroxysmal dyskinesia. Identifiers: Orphanet 79137, MedGen C5574945, MONDO:0012276, OMIM 609446.

Submissions (4):

Labcorp Genetics (formerly Invitae), Labcorp
Classification: Uncertain significance for Generalized epilepsy-paroxysmal dyskinesia syndrome. Last evaluated: 2026-01-25. Review status: criteria provided, single submitter. Criteria: Invitae Variant Classification Sherloc (09022015). Collection method: clinical testing. Allele origin: germline.
Comment: This variant, c.15_16insAGC, results in the insertion of 1 amino acid(s) of the KCNMA1 protein (p.Gly5_Gly6insSer), but otherwise preserves the integrity of the reading frame. The frequency data for this variant in the population databases is considered unreliable, as metrics indicate poor data quality at this position in the gnomAD database. This variant has been observed in individual(s) with drug resistant focal seizures (PMID: 29933521). ClinVar contains an entry for this variant (Variation ID: 300975). Experimental studies and prediction algorithms are not available or were not evaluated, and the functional significance of this variant is currently unknown. In summary, the available evidence is currently insufficient to determine the role of this variant in disease. Therefore, it has been classified as a Variant of Uncertain Significance.

Mayo Clinic Laboratories, Mayo Clinic
Classification: Uncertain significance. Last evaluated: 2025-09-04. Review status: criteria provided, single submitter. Criteria: ACMG Guidelines, 2015. Collection method: clinical testing. Allele origin: germline. Observed: 1 variant allele.
Comment: BS1

Revvity Omics, Revvity
Classification: Uncertain significance. Last evaluated: 2023-01-26. Review status: criteria provided, single submitter. Criteria: ACMG Guidelines, 2015. Collection method: clinical testing. Allele origin: germline.

GeneDx
Classification: Likely benign. Last evaluated: 2020-12-15. Review status: criteria provided, single submitter. Criteria: GeneDx Variant Classification Process June 2021. Collection method: clinical testing. Allele origin: germline. Affected: yes.
Comment: This variant is associated with the following publications: (PMID: 29933521)

Literature cited by the submitters: PubMed 29933521 (cited by Labcorp Genetics (formerly Invitae), Labcorp and Mayo Clinic Laboratories, Mayo Clinic).

NM_001161352.2(KCNMA1):c.15_16insAGC (p.Gly5_Gly6insSer)

Gene: KCNMA1 (potassium calcium-activated channel subfamily M alpha 1; minus strand). Cytogenetic location: 10q22.3.
Variant type: Insertion.
Coding change: c.15_16insAGC on transcript NM_001161352.2 (MANE Select); coding-DNA positions 15 to 16, AGC inserted.
Protein change: p.Gly5_Gly6insSer.
Molecular consequence: inframe insertion.
Genome position: GRCh38 VCF-style: chr10-77637627-C-CGCT. GRCh37 (hg19) VCF-style: chr10-79397385-C-CGCT.
Other names: p.Gly5_Gly6insSer; c.15_16insAGC, p.Gly5_Gly6insSer (NM_001014797.3, NM_001161353.2, NM_001271518.2 and 12 more transcripts).
Identifiers: ClinVar variation 300975 (VCV000300975.18), dbSNP rs780558929, ClinGen allele CA5568830.